The following is an entry in ClinVar:

ClinVar aggregate classification (germline): Likely benign. Review status: criteria provided, multiple submitters, no conflicts (2 of 4 stars). 2 submissions from 2 submitters: Likely benign (2). Last evaluated 2026-01-28.

Allele frequency attached by ClinVar (database versions not stated): ExAC 0.00012; 1000 Genomes Project 30x 0.00016; gnomAD 0.00006 and 0.00009; gnomAD exomes 0.00009 and 0.00006; ESP Exome Variant Server 0.00008; 1000 Genomes Project 0.00020.
gnomAD v4.1: 105 of 1,609,718 alleles (0.0065%); highest among the groups gnomAD compares: East Asian, 0.065%; no homozygotes.

Submissions (2):

Labcorp Genetics (formerly Invitae), Labcorp
Classification: Likely benign. Last evaluated: 2026-01-28. Review status: criteria provided, single submitter. Criteria: Invitae Variant Classification Sherloc (09022015). Collection method: clinical testing. Allele origin: germline.

CeGaT Center for Human Genetics Tuebingen
Classification: Likely benign. Last evaluated: 2026-01-01. Review status: criteria provided, single submitter. Criteria: CeGaT Center For Human Genetics Tuebingen Variant Classification Criteria Version 2. Collection method: clinical testing. Allele origin: germline. Affected: yes. Observed: 3 variant alleles.
Comment: CKAP2L: BP4, BP7

NM_152515.5(CKAP2L):c.1785T>C (p.Val595=)

Genes: CKAP2L (cytoskeleton associated protein 2L; minus strand), NT5DC4 (5'-nucleotidase domain containing 4; plus strand). Cytogenetic location: 2q14.1.
Variant type: single nucleotide variant.
Coding change: c.1785T>C on transcript NM_152515.5 (MANE Select); coding-DNA position 1785, T replaced by C.
Protein change: p.Val595=; no amino-acid change (valine 595 retained).
Molecular consequence: synonymous variant. On other transcripts: non-coding transcript variant (1), 3 prime UTR variant (1).
Genome position (GRCh38, 1-based): chr2:112,742,743, A>G on the plus strand (T>C on the coding strand, the complement: CKAP2L is on the minus strand). VCF-style: chr2-112742743-A-G. GRCh37 (hg19) VCF-style: chr2-113500320-A-G.
Other names: c.1290T>C, p.Val430= (NM_001304361.2); c.*293A>G (NM_001350494.2).
Identifiers: ClinVar variation 1617180 (VCV001617180.30), dbSNP rs138538433, ClinGen allele CA1836556.